The following is an entry in ClinVar:

ClinVar aggregate classification (germline): Uncertain significance (1 of 4 stars; one submission).

Conditions:
Bardet-Biedl syndrome (BBS). Identifiers: Orphanet 110, MedGen C0752166, MONDO:0015229.

gnomAD v4.1: 2 of 1,614,190 alleles (0.00012%); highest among the groups gnomAD compares: Non-Finnish European, 0.00017%; no homozygotes.

Submission:

Labcorp Genetics (formerly Invitae), Labcorp
Classification: Uncertain significance for Bardet-Biedl syndrome. Last evaluated: 2022-05-21. Review status: criteria provided, single submitter. Criteria: Invitae Variant Classification Sherloc (09022015). Collection method: clinical testing. Allele origin: germline.
Comment: In summary, the available evidence is currently insufficient to determine the role of this variant in disease. Therefore, it has been classified as a Variant of Uncertain Significance. Algorithms developed to predict the effect of missense changes on protein structure and function (SIFT, PolyPhen-2, Align-GVGD) all suggest that this variant is likely to be tolerated. This variant has not been reported in the literature in individuals affected with TRIM32-related conditions. This variant is present in population databases (no rsID available, gnomAD 0.0009%). This sequence change replaces methionine, which is neutral and non-polar, with isoleucine, which is neutral and non-polar, at codon 327 of the TRIM32 protein (p.Met327Ile).

NM_012210.4(TRIM32):c.981G>A (p.Met327Ile)

Genes: ASTN2 (astrotactin 2; minus strand), TRIM32 (tripartite motif containing 32; plus strand). Cytogenetic location: 9q33.1.
Variant type: single nucleotide variant.
Coding change: c.981G>A on transcript NM_012210.4 (MANE Select); coding-DNA position 981, G replaced by A.
Protein change: p.Met327Ile; replaces methionine 327 with isoleucine.
Molecular consequence: missense variant. On other transcripts: intron variant (3).
Genome position (GRCh38, 1-based): chr9:116,698,723, G>A. VCF-style: chr9-116698723-G-A. GRCh37 (hg19) VCF-style: chr9-119461002-G-A.
Other names: c.981G>A, p.Met327Ile (NM_001099679.2, NM_001379048.1, NM_001379049.1 and 1 more transcripts); c.2653+27048C>T (NM_014010.5); c.2794+27048C>T (NM_001365069.1); c.2806+27048C>T (NM_001365068.1); short protein forms M327I.
Identifiers: ClinVar variation 1937593 (VCV001937593.5), dbSNP rs1215135171, ClinGen allele CA374650648.